The following is an entry in ClinVar:

ClinVar aggregate classification (germline): Uncertain significance (1 of 4 stars; one submission).

Conditions:
SIM1-related disorder. Also called: SIM1-related disorders; SIM1-related condition.

gnomAD v4.1: 2 of 1,614,014 alleles (0.00012%); highest among the groups gnomAD compares: African/African-American, 0.0027%; no homozygotes.

Submission:

PreventionGenetics, part of Exact Sciences
Classification: Uncertain significance for SIM1-related condition. Last evaluated: 2025-06-29. Review status: criteria provided, single submitter. Criteria: ACMG Guidelines, 2015. Collection method: clinical testing. Allele origin: germline.
Comment: The SIM1 c.1885C>G variant is predicted to result in the amino acid substitution p.Pro629Ala. To our knowledge, this variant has not been reported in the literature or in a large population database (gnomAD), indicating this variant is rare. At this time, the clinical significance of this variant is uncertain due to the absence of conclusive functional and genetic evidence.

NM_005068.3(SIM1):c.1885C>G (p.Pro629Ala)

Gene: SIM1 (SIM bHLH transcription factor 1; minus strand). Cytogenetic location: 6q16.3.
Variant type: single nucleotide variant.
Coding change: c.1885C>G on transcript NM_005068.3 (MANE Select); coding-DNA position 1885, C replaced by G.
Protein change: p.Pro629Ala; replaces proline 629 with alanine.
Molecular consequence: missense variant.
Genome position (GRCh38, 1-based): chr6:100,390,777, G>C on the plus strand (C>G on the coding strand, the complement: SIM1 is on the minus strand). VCF-style: chr6-100390777-G-C. GRCh37 (hg19) VCF-style: chr6-100838653-G-C.
Other names: c.1885C>G, p.Pro629Ala (NM_001374769.1); short protein forms P629A.
Identifiers: ClinVar variation 4998239 (VCV004998239.1).
Genomic context (GRCh38, chr6:100,390,777, plus strand): 5'-CATAGTCATTTTCATGGGGGCTCAACATTTTTCCCTCTCTCTGCTGGATATGGTCACATG[G>C]TGAAGTGTTGGCAAGAGCAGAGCCATGGCAGACTTCACCTGTTGGTGGGGGCTGTTGGTA-3'
Protein context (NP_005059.2, residues 619-639): CHGSALANTS[Pro629Ala]CDHIQQREGK